The following is an entry in ClinVar:

NM_001077365.2(POMT1):c.2093C>T (p.Thr698Ile)

Gene: POMT1 (protein O-mannosyltransferase 1; plus strand). Cytogenetic location: 9q34.13.
Variant type: single nucleotide variant.
Coding change: c.2093C>T on transcript NM_001077365.2 (MANE Select); coding-DNA position 2093, C replaced by T.
Protein change: p.Thr698Ile; replaces threonine 698 with isoleucine.
Molecular consequence: missense variant. On other transcripts: non-coding transcript variant (10).
Genome position (GRCh38, 1-based): chr9:131,523,021, C>T. VCF-style: chr9-131523021-C-T. GRCh37 (hg19) VCF-style: chr9-134398408-C-T.
Other names: c.1931C>T, p.Thr644Ile (NM_001077366.2, NM_001353194.2); c.2093C>T, p.Thr698Ile (NM_001136113.2); c.1742C>T, p.Thr581Ile (NM_001136114.2, NM_001353195.2, NM_001374691.1 and 2 more transcripts); c.2159C>T, p.Thr720Ile (NM_001353193.2, NM_007171.4); c.2003C>T, p.Thr668Ile (NM_001353196.2); c.1997C>T, p.Thr666Ile (NM_001353197.2, NM_001353198.2); c.1808C>T, p.Thr603Ile (NM_001353199.2); c.1637C>T, p.Thr546Ile (NM_001353200.2); and 4 more; short protein forms T603I, T698I, T568I, T581I, T625I, T694I, T321I, T644I.
Identifiers: ClinVar variation 2199281 (VCV002199281.1), dbSNP rs1471076699, ClinGen allele CA375315224.

ClinVar aggregate classification (germline): Uncertain significance (1 of 4 stars; one submission).

Conditions:
Walker-Warburg congenital muscular dystrophy. Also called: Muscular dystrophy-dystroglycanopathy, type A; Walker-Warburg syndrome. Identifiers: Orphanet 899, MedGen C0265221, MONDO:0000171.
Autosomal recessive limb-girdle muscular dystrophy type 2K. Also called: MUSCULAR DYSTROPHY-DYSTROGLYCANOPATHY (LIMB-GIRDLE), TYPE C, 1; MUSCULAR DYSTROPHY, LIMB-GIRDLE, TYPE 2K. Identifiers: Orphanet 86812, MedGen C1836373, MONDO:0012248, OMIM 609308.
Muscular dystrophy-dystroglycanopathy (congenital with impaired intellectual development), type B, 1. Also called: Muscular dystrophy-dystroglycanopathy (congenital with intellectual disability), type B1; MUSCULAR DYSTROPHY, CONGENITAL, POMT1-RELATED. Identifiers: MedGen C5436962, MONDO:0013159, OMIM 613155.

Allele frequency attached by ClinVar (database versions not stated): TOPMed below 0.00001; gnomAD exomes 0.00001.
gnomAD v4.1: 5 of 1,610,584 alleles (0.00031%); highest among the groups gnomAD compares: Admixed American, 0.0083%; no homozygotes.

Submission:

Labcorp Genetics (formerly Invitae), Labcorp
Classification: Uncertain significance for Muscular dystrophy-dystroglycanopathy (congenital with impaired intellectual development), type B, 1; Walker-Warburg congenital muscular dystrophy; Autosomal recessive limb-girdle muscular dystrophy type 2K. Last evaluated: 2022-08-06. Review status: criteria provided, single submitter. Criteria: Invitae Variant Classification Sherloc (09022015). Collection method: clinical testing. Allele origin: germline.
Comment: This sequence change replaces threonine, which is neutral and polar, with isoleucine, which is neutral and non-polar, at codon 720 of the POMT1 protein (p.Thr720Ile). This variant is present in population databases (no rsID available, gnomAD 0.01%). This variant has not been reported in the literature in individuals affected with POMT1-related conditions. Algorithms developed to predict the effect of missense changes on protein structure and function are either unavailable or do not agree on the potential impact of this missense change (SIFT: "Deleterious"; PolyPhen-2: "Benign"; Align-GVGD: "Class C0"). In summary, the available evidence is currently insufficient to determine the role of this variant in disease. Therefore, it has been classified as a Variant of Uncertain Significance.